The following is an entry in ClinVar:

NM_018699.4(PRDM5):c.832G>A (p.Ala278Thr)

Gene: PRDM5 (PR/SET domain 5; minus strand). Cytogenetic location: 4q27.
Variant type: single nucleotide variant.
Coding change: c.832G>A on transcript NM_018699.4 (MANE Select); coding-DNA position 832, G replaced by A.
Protein change: p.Ala278Thr; replaces alanine 278 with threonine.
Molecular consequence: missense variant.
Genome position (GRCh38, 1-based): chr4:120,816,486, C>T on the plus strand (G>A on the coding strand, the complement: PRDM5 is on the minus strand). VCF-style: chr4-120816486-C-T. GRCh37 (hg19) VCF-style: chr4-121737641-C-T.
Other names: c.739G>A, p.Ala247Thr (NM_001300823.2, NM_001300824.2, NM_001379106.1); c.832G>A, p.Ala278Thr (NM_001379104.1); short protein forms A247T, A278T.
Identifiers: ClinVar variation 2565113 (VCV002565113.2), dbSNP rs1273587678, ClinGen allele CA358207444.
Genomic context (GRCh38, chr4:120,816,486, plus strand): 5'-GGAAACGACCCTCCAACGACTCCTCACCAGTGTGGACATTTTCCTGGTGTCTTTTCAGGG[C>T]ATCCTTGCTCTTCAGCCTCTTTCCACAGCTGTCAGCCTTGCACACAAACCTGGCATCCCC-3'
Protein context (NP_061169.2, residues 268-288): SCGKRLKSKD[Ala278Thr]LKRHQENVHT

ClinVar aggregate classification (germline): Uncertain significance (1 of 4 stars; one submission).

Conditions:
Cardiovascular phenotype. Identifiers: MedGen CN230736.

Allele frequency attached by ClinVar (database versions not stated): gnomAD 0.00001.
gnomAD v4.1: 1 of 1,614,048 alleles (0.000062%); highest among the groups gnomAD compares: African/African-American, 0.0013%; no homozygotes.

Submission:

Ambry Genetics
Classification: Uncertain significance for Cardiovascular phenotype. Last evaluated: 2023-03-23. Review status: criteria provided, single submitter. Criteria: Ambry Variant Classification Scheme 2023. Collection method: clinical testing. Allele origin: germline.
Comment: The p.A278T variant (also known as c.832G>A), located in coding exon 7 of the PRDM5 gene, results from a G to A substitution at nucleotide position 832. The alanine at codon 278 is replaced by threonine, an amino acid with similar properties. This amino acid position is conserved. In addition, this alteration is predicted to be tolerated by in silico analysis. Since supporting evidence is limited at this time, the clinical significance of this alteration remains unclear.